The following is an entry in ClinVar:

ClinVar aggregate classification (germline): Uncertain significance (1 of 4 stars; one submission).

Submission:

Labcorp Genetics (formerly Invitae), Labcorp
Classification: Uncertain significance. Last evaluated: 2024-10-25. Review status: criteria provided, single submitter. Criteria: Invitae Variant Classification Sherloc (09022015). Collection method: clinical testing. Allele origin: germline.
Comment: This sequence change replaces alanine, which is neutral and non-polar, with serine, which is neutral and polar, at codon 749 of the EPHA4 protein (p.Ala749Ser). This variant is not present in population databases (gnomAD no frequency). This variant has not been reported in the literature in individuals affected with EPHA4-related conditions. Invitae Evidence Modeling of protein sequence and biophysical properties (such as structural, functional, and spatial information, amino acid conservation, physicochemical variation, residue mobility, and thermodynamic stability) indicates that this missense variant is expected to disrupt EPHA4 protein function with a positive predictive value of 80%. In summary, the available evidence is currently insufficient to determine the role of this variant in disease. Therefore, it has been classified as a Variant of Uncertain Significance.

NM_004438.5(EPHA4):c.2245G>T (p.Ala749Ser)

Gene: EPHA4 (EPH receptor A4; minus strand). Cytogenetic location: 2q36.1.
Variant type: single nucleotide variant.
Coding change: c.2245G>T on transcript NM_004438.5 (MANE Select); coding-DNA position 2245, G replaced by T.
Protein change: p.Ala749Ser; replaces alanine 749 with serine.
Molecular consequence: missense variant.
Genome position (GRCh38, 1-based): chr2:221,436,500, C>A on the plus strand (G>T on the coding strand, the complement: EPHA4 is on the minus strand). VCF-style: chr2-221436500-C-A. GRCh37 (hg19) VCF-style: chr2-222301220-C-A.
Other names: c.2245G>T, p.Ala749Ser (NM_001304536.2, NM_001363748.2); c.2092G>T, p.Ala698Ser (NM_001304537.2); short protein forms A749S, A698S.
Identifiers: ClinVar variation 3657531 (VCV003657531.2).